The following is an entry in ClinVar:

ClinVar aggregate classification (germline): Uncertain significance. Review status: criteria provided, multiple submitters, no conflicts (2 of 4 stars). 3 submissions from 3 submitters: Uncertain significance (3). Last evaluated 2026-01-22.

Conditions:
Inborn genetic diseases. Identifiers: MedGen C0950123, MeSH D030342.
Baller-Gerold syndrome (BGS). Also called: CRANIOSYNOSTOSIS WITH RADIAL DEFECTS. Identifiers: Orphanet 1225, MedGen C0265308, MONDO:0009039, OMIM 218600.

Allele frequency attached by ClinVar (database versions not stated): gnomAD exomes below 0.00001.
gnomAD v4.1: 2 of 1,610,046 alleles (0.00012%); highest among the groups gnomAD compares: Non-Finnish European, 0.00017%; no homozygotes.

Submissions (3):

GeneDx
Classification: Uncertain significance. Last evaluated: 2026-01-22. Review status: criteria provided, single submitter. Criteria: GeneDx Variant Classification Process June 2021. Collection method: clinical testing. Allele origin: germline.
Comment: Not observed at significant frequency in large population cohorts (gnomAD); In silico analysis suggests that this missense variant does not alter protein structure/function; Has not been previously published as pathogenic or benign to our knowledge

Labcorp Genetics (formerly Invitae), Labcorp
Classification: Uncertain significance for Baller-Gerold syndrome. Last evaluated: 2025-07-21. Review status: criteria provided, single submitter. Criteria: Invitae Variant Classification Sherloc (09022015). Collection method: clinical testing. Allele origin: germline.
Comment: This sequence change replaces alanine, which is neutral and non-polar, with proline, which is neutral and non-polar, at codon 587 of the RECQL4 protein (p.Ala587Pro). This variant is not present in population databases (gnomAD no frequency). This variant has not been reported in the literature in individuals affected with RECQL4-related conditions. ClinVar contains an entry for this variant (Variation ID: 640332). An algorithm developed to predict the effect of missense changes on protein structure and function outputs the following: PolyPhen-2: "Not Available". The proline amino acid residue is found in multiple mammalian species, which suggests that this missense change does not adversely affect protein function. In summary, the available evidence is currently insufficient to determine the role of this variant in disease. Therefore, it has been classified as a Variant of Uncertain Significance.

Ambry Genetics
Classification: Uncertain significance for Inborn genetic diseases. Last evaluated: 2025-04-18. Review status: criteria provided, single submitter. Criteria: Ambry Variant Classification Scheme 2023. Collection method: clinical testing. Allele origin: germline.
Comment: The p.A587P variant (also known as c.1759G>C), located in coding exon 11 of the RECQL4 gene, results from a G to C substitution at nucleotide position 1759. The alanine at codon 587 is replaced by proline, an amino acid with highly similar properties. This amino acid position is conserved. In addition, the in silico prediction for this alteration is inconclusive. Based on the available evidence, the clinical significance of this variant remains unclear.

NM_004260.4(RECQL4):c.1759G>C (p.Ala587Pro)

Gene: RECQL4 (RecQ like helicase 4; minus strand). Cytogenetic location: 8q24.3.
Variant type: single nucleotide variant.
Coding change: c.1759G>C on transcript NM_004260.4 (MANE Select); coding-DNA position 1759, G replaced by C.
Protein change: p.Ala587Pro; replaces alanine 587 with proline.
Molecular consequence: missense variant.
Genome position (GRCh38, 1-based): chr8:144,514,308, C>G on the plus strand (G>C on the coding strand, the complement: RECQL4 is on the minus strand). VCF-style: chr8-144514308-C-G. GRCh37 (hg19) VCF-style: chr8-145739692-C-G.
Other names: short protein forms A587P.
Identifiers: ClinVar variation 640332 (VCV000640332.6), dbSNP rs1586810759, ClinGen allele CA372681048.